The following is an entry in ClinVar:

NM_003906.5(MCM3AP):c.4769A>C (p.His1590Pro)

Genes: MCM3AP (minichromosome maintenance complex component 3 associated protein; minus strand), MCM3AP-AS1 (MCM3AP antisense RNA 1; plus strand). Cytogenetic location: 21q22.3.
Variant type: single nucleotide variant.
Coding change: c.4769A>C on transcript NM_003906.5 (MANE Select); coding-DNA position 4769, A replaced by C.
Protein change: p.His1590Pro; replaces histidine 1590 with proline.
Molecular consequence: missense variant.
Genome position (GRCh38, 1-based): chr21:46,245,076, T>G on the plus strand (A>C on the coding strand, the complement: MCM3AP is on the minus strand). VCF-style: chr21-46245076-T-G. GRCh37 (hg19) VCF-style: chr21-47664990-T-G.
Other names: short protein forms H1590P.
Identifiers: ClinVar variation 1969484 (VCV001969484.5), dbSNP rs774261836, ClinGen allele CA10076020.

ClinVar aggregate classification (germline): Uncertain significance (1 of 4 stars; one submission).

Allele frequency attached by ClinVar (database versions not stated): ExAC 0.00001; gnomAD 0.00001; gnomAD exomes 0.00001; TOPMed 0.00001.
gnomAD v4.1: 18 of 1,614,036 alleles (0.0011%); highest among the groups gnomAD compares: Admixed American, 0.0017%; no homozygotes.

Submission:

Labcorp Genetics (formerly Invitae), Labcorp
Classification: Uncertain significance. Last evaluated: 2022-01-04. Review status: criteria provided, single submitter. Criteria: Invitae Variant Classification Sherloc (09022015). Collection method: clinical testing. Allele origin: germline.
Comment: In summary, the available evidence is currently insufficient to determine the role of this variant in disease. Therefore, it has been classified as a Variant of Uncertain Significance. Algorithms developed to predict the effect of missense changes on protein structure and function (SIFT, PolyPhen-2, Align-GVGD) all suggest that this variant is likely to be tolerated. This variant has not been reported in the literature in individuals affected with MCM3AP-related conditions. This variant is present in population databases (rs774261836, gnomAD 0.007%). This sequence change replaces histidine, which is basic and polar, with proline, which is neutral and non-polar, at codon 1590 of the MCM3AP protein (p.His1590Pro).